The following is an entry in ClinVar:

ClinVar aggregate classification (germline): Uncertain significance. Review status: criteria provided, multiple submitters, no conflicts (2 of 4 stars). 2 submissions from 2 submitters: Uncertain significance (2). Last evaluated 2022-09-27.

Conditions:
Multiple epiphyseal dysplasia type 1. Also called: COMP-Related Multiple Epiphyseal Dysplasia. Identifiers: Orphanet 93308, MedGen C1838280, MONDO:0007561, OMIM 132400.

gnomAD v4.1: 4 of 1,607,470 alleles (0.00025%); highest among the groups gnomAD compares: Non-Finnish European, 0.00025%; no homozygotes.

Submissions (2):

Labcorp Genetics (formerly Invitae), Labcorp
Classification: Uncertain significance. Last evaluated: 2022-09-27. Review status: criteria provided, single submitter. Criteria: Invitae Variant Classification Sherloc (09022015). Collection method: clinical testing. Allele origin: germline.
Comment: This variant has not been reported in the literature in individuals affected with COMP-related conditions. ClinVar contains an entry for this variant (Variation ID: 1510992). In summary, the available evidence is currently insufficient to determine the role of this variant in disease. Therefore, it has been classified as a Variant of Uncertain Significance. This variant is not present in population databases (gnomAD no frequency). This sequence change creates a premature translational stop signal (p.Arg698*) in the COMP gene. It is expected to result in an absent or disrupted protein product. However, the current clinical and genetic evidence is not sufficient to establish whether loss-of-function variants in COMP cause disease.

Laboratorio de Genetica e Diagnostico Molecular, Hospital Israelita Albert Einstein
Classification: Uncertain significance for Multiple epiphyseal dysplasia type 1. Last evaluated: 2022-04-12. Review status: criteria provided, single submitter. Criteria: ACMG Guidelines, 2015. Collection method: clinical testing. Allele origin: germline. Affected: yes. Observed: 1 variant allele.
Comment: ACMG classification criteria: PM2 moderated

NM_000095.3(COMP):c.2092C>T (p.Arg698Ter)

Gene: COMP (cartilage oligomeric matrix protein; minus strand). Cytogenetic location: 19p13.11.
Variant type: single nucleotide variant.
Coding change: c.2092C>T on transcript NM_000095.3 (MANE Select); coding-DNA position 2092, C replaced by T.
Protein change: p.Arg698Ter; replaces arginine 698 with a stop codon.
Molecular consequence: nonsense.
Genome position (GRCh38, 1-based): chr19:18,783,189, G>A on the plus strand (C>T on the coding strand, the complement: COMP is on the minus strand). VCF-style: chr19-18783189-G-A. GRCh37 (hg19) VCF-style: chr19-18893999-G-A.
Other names: short protein forms R698*.
Identifiers: ClinVar variation 1510992 (VCV001510992.6), dbSNP rs763098832, ClinGen allele CA404875169.
Genomic context (GRCh38, chr19:18,783,189, plus strand): 5'-GCATGGTTGTGTCCAAGACCACGTTGCTGTCGGCCACCAGCTCAGGGCCCTCATAGAATC[G>A]CACCCTGAGGGTCAGACATGGTGAGGCCTGGGGGACCTGGGCCAGACCCTTCCCTCTCAG-3'